The following is an entry in ClinVar:

ClinVar aggregate classification (germline): Conflicting classifications of pathogenicity. Review status: criteria provided, conflicting classifications (1 of 4 stars). 2 submissions from 1 submitter: Uncertain significance (1); Likely benign (1). Last evaluated 2018-01-13.

Conditions:
Congenital multicore myopathy with external ophthalmoplegia (CMYO1B). Also called: MULTICORE MYOPATHY; Minicore myopathy with external ophthalmoplegia; Congenital myopathy 1B, autosomal recessive; Minicore myopathy; MULTIMINICORE DISEASE WITH EXTERNAL OPHTHALMOPLEGIA. Identifiers: Orphanet 598, Orphanet 98905, MedGen C1850674, MONDO:0009712, OMIM 255320, HP:0003789.
Malignant hyperthermia, susceptibility to, 1 (MHS1). Also called: Anesthesia related hyperthermia; Malignant hyperpyrexia; Fulminating hyperpyrexia; Pharmacogenic myopathy; RYR1-Related Malignant Hyperthermia Susceptibility; Malignant hyperthermia suceptibility 1. Identifiers: Orphanet 423, MedGen C2930980, MONDO:0007783, OMIM 145600.

Allele frequency attached by ClinVar (database versions not stated): 1000 Genomes Project 30x 0.00031; 1000 Genomes Project 0.00040; gnomAD 0.00140; TOPMed 0.00148.
gnomAD v4.1: 1,287 of 775,562 alleles (0.17%); highest among the groups gnomAD compares: Middle Eastern, 0.36%; 3 homozygotes.

Submissions (2):

Illumina Laboratory Services, Illumina
Classification: Uncertain significance for Congenital multicore myopathy with external ophthalmoplegia. Last evaluated: 2018-01-13. Review status: criteria provided, single submitter. Criteria: ICSL Variant Classification Criteria 13 December 2019. Collection method: clinical testing. Allele origin: germline.

Illumina Laboratory Services, Illumina
Classification: Likely benign for Malignant hyperthermia, susceptibility to, 1. Last evaluated: 2018-01-13. Review status: criteria provided, single submitter. Criteria: ICSL Variant Classification Criteria 13 December 2019. Collection method: clinical testing. Allele origin: germline.
Comment: This variant was observed in the ICSL laboratory as part of a predisposition screen in an ostensibly healthy population. It had not been previously curated by ICSL or reported in the Human Gene Mutation Database (HGMD: prior to June 1st, 2018), and was therefore a candidate for classification through an automated scoring system. Utilizing variant allele frequency, disease prevalence and penetrance estimates, and inheritance mode, an automated score was calculated to assess if this variant is too frequent to cause the disease. Based on the score and internal cut-off values, a variant classified as likely benign is not then subjected to further curation. The score for this variant resulted in a classification of likely benign for this disease.

NM_000540.3(RYR1):c.*135C>T

Gene: RYR1 (ryanodine receptor 1; plus strand). Cytogenetic location: 19q13.2.
Variant type: single nucleotide variant.
Coding change: c.*135C>T on transcript NM_000540.3 (MANE Select); 135 bases downstream of the stop codon, C replaced by T.
Molecular consequence: 3 prime UTR variant.
Genome position (GRCh38, 1-based): chr19:38,587,555, C>T. VCF-style: chr19-38587555-C-T. GRCh37 (hg19) VCF-style: chr19-39078195-C-T.
Other names: c.*135C>T (NM_001042723.2).
Identifiers: ClinVar variation 329142 (VCV000329142.6), dbSNP rs188314477, ClinGen allele CA10642776.